The following is an entry in ClinVar:

NM_145868.2(ANXA11):c.905G>A (p.Arg302His)

Gene: ANXA11 (annexin A11; minus strand). Cytogenetic location: 10q22.3.
Variant type: single nucleotide variant.
Coding change: c.905G>A on transcript NM_145868.2 (MANE Select); coding-DNA position 905, G replaced by A.
Protein change: p.Arg302His; replaces arginine 302 with histidine.
Molecular consequence: missense variant.
Genome position (GRCh38, 1-based): chr10:80,164,097, C>T on the plus strand (G>A on the coding strand, the complement: ANXA11 is on the minus strand). VCF-style: chr10-80164097-C-T. GRCh37 (hg19) VCF-style: chr10-81923853-C-T.
Other names: c.905G>A, p.Arg302His (NM_001157.3, NM_001278407.2, NM_001278408.2 and 1 more transcripts); c.806G>A, p.Arg269His (NM_001278409.2); c.905G>A (NM_145869.1); short protein forms R269H, R302H.
Identifiers: ClinVar variation 1607012 (VCV001607012.11), dbSNP rs140133265, ClinGen allele CA5576030.

ClinVar aggregate classification (germline): Conflicting classifications of pathogenicity. Review status: criteria provided, conflicting classifications (1 of 4 stars). 3 submissions from 3 submitters: Uncertain significance (1); Benign (1). 1 of the submissions does not count toward it. Last evaluated 2026-01-27.

Conditions:
ANXA11-related disorder. Also called: ANXA11-related condition.
Amyotrophic lateral sclerosis type 23. Identifiers: MedGen C4693381, MONDO:0027694, OMIM 617839.

Allele frequency attached by ClinVar (database versions not stated): ESP Exome Variant Server 0.00008; ExAC 0.00059; gnomAD exomes 0.00064; 1000 Genomes Project 0.00160; 1000 Genomes Project 30x 0.00172.
gnomAD v4.1: 537 of 1,614,098 alleles (0.033%); highest among the groups gnomAD compares: South Asian, 0.4%; 8 homozygotes.

Submissions (3):

Labcorp Genetics (formerly Invitae), Labcorp
Classification: Benign. Last evaluated: 2026-01-27. Review status: criteria provided, single submitter. Criteria: Invitae Variant Classification Sherloc (09022015). Collection method: clinical testing. Allele origin: germline.

Department of Pathology and Laboratory Medicine, Sinai Health System
Classification: Uncertain significance for amyotrophic lateral sclerosis type 23. Last evaluated: 2022-11-27. Review status: criteria provided, single submitter. Criteria: ACMG Guidelines, 2015. Collection method: research. Allele origin: germline.

PreventionGenetics, part of Exact Sciences
Classification: Likely benign for ANXA11-related condition. Last evaluated: 2022-12-16. Review status: no assertion criteria provided. Collection method: clinical testing. Allele origin: germline. Not counted in ClinVar's aggregate classification.
Comment: This variant is classified as likely benign based on ACMG/AMP sequence variant interpretation guidelines (Richards et al. 2015 PMID: 25741868, with internal and published modifications).